The following is an entry in ClinVar:

ClinVar aggregate classification (germline): Pathogenic/Likely pathogenic. Review status: criteria provided, multiple submitters, no conflicts (2 of 4 stars). 8 submissions from 8 submitters: Pathogenic (6); Likely pathogenic (1). 1 of the submissions does not count toward it. Last evaluated 2026-04-26.

Conditions:
Acute myeloid leukemia (AML). Also called: Leukemia, acute myeloid, somatic; Leukemia, acute myelogenous, somatic; Acute myeloid leukemia, adult; AML adult; Acute non-lymphocytic leukemia; Acute granulocytic leukemia. Identifiers: Orphanet 519, MedGen C0023467, MeSH D015470, MONDO:0018874, OMIM 601626, HP:0004808. Disease mechanism: Constitutively activated FLT3.
Fanconi anemia complementation group D2. Also called: FANCD2-Related Fanconi Anemia; FANCONI PANCYTOPENIA, TYPE 4; FANCONI ANEMIA, COMPLEMENTATION GROUP D. Identifiers: Orphanet 84, MedGen C3160738, MONDO:0009214, OMIM 227646.
Fanconi anemia (FA). Also called: Fanconi's anemia. Identifiers: Orphanet 84, MedGen C0015625, MeSH D005199, MONDO:0019391.

Allele frequency attached by ClinVar (database versions not stated): gnomAD exomes 0.00005; ESP Exome Variant Server 0.00015; ExAC 0.00017.

Submissions (8):

Dasa
Classification: Pathogenic. Last evaluated: 2026-04-26. Review status: criteria provided, single submitter. Criteria: DASA Assertion Criteria. Collection method: clinical testing. Allele origin: germline.
Comment: NM_001018115.3(FANCD2):c.990-1G>A introduces a premature termination codon predicted to result in loss of normal protein function. Loss-of-function is an established mechanism of disease for this gene. This variant has been observed in affected individuals with related phenotype in a genotype context consistent with recessive disease (PMID: 40906985; PMID: 39283238; PMID: 37433680; PMID: 37566130; PMID: 23613520). Functional evidence supports a deleterious effect on the gene or gene product (PMID: 40906985; PMID: 39283238; PMID: 37433680; PMID: 37566130; PMID: 23613520). This variant has been recurrently observed in individuals with related phenotype (PMID: 40906985; PMID: 39283238; PMID: 37433680; PMID: 37566130; PMID: 23613520). The variant is present at low frequency in population datasets. Based on the available data, this variant is classified as pathogenic.

Labcorp Genetics (formerly Invitae), Labcorp
Classification: Pathogenic for Fanconi anemia. Last evaluated: 2026-01-12. Review status: criteria provided, single submitter. Criteria: Invitae Variant Classification Sherloc (09022015). Collection method: clinical testing. Allele origin: germline.
Comment: This sequence change affects an acceptor splice site in intron 12 of the FANCD2 gene. RNA analysis indicates that disruption of this splice site induces altered splicing and may result in an absent or altered protein product. The frequency data for this variant in the population databases is considered unreliable, as metrics indicate poor data quality at this position in the gnomAD database. Disruption of this splice site has been observed in individual(s) with Fanconi anemia (PMID: 17436244, 23613520). In at least one individual the data is consistent with being in trans (on the opposite chromosome) from a pathogenic variant. This variant is also known as IVS12-1G>A. ClinVar contains an entry for this variant (Variation ID: 381559). Studies have shown that disruption of this splice site results in activation of a cryptic splice acceptor, and produces a non-functional protein and/or introduces a premature termination codon (PMID: 17436244). For these reasons, this variant has been classified as Pathogenic.

Revvity Omics, Revvity
Classification: Pathogenic for Fanconi anemia complementation group D2. Last evaluated: 2025-06-12. Review status: criteria provided, single submitter. Criteria: ACMG Guidelines, 2015. Collection method: clinical testing. Allele origin: germline.

Baylor Genetics
Classification: Pathogenic for Fanconi anemia complementation group D2. Last evaluated: 2023-08-18. Review status: criteria provided, single submitter. Criteria: ACMG Guidelines, 2015. Collection method: clinical testing. Allele origin: unknown.

GeneDx
Classification: Likely pathogenic. Last evaluated: 2022-07-31. Review status: criteria provided, single submitter. Criteria: GeneDx Variant Classification Process June 2021. Collection method: clinical testing. Allele origin: germline. Affected: yes.
Comment: Canonical splice site variant predicted to result in a null allele in a gene for which loss of function is a known mechanism of disease; This variant is associated with the following publications: (PMID: 25525159, 23613520, 17436244)

Sema4
Classification: Pathogenic for Fanconi anemia. Last evaluated: 2021-11-18. Review status: criteria provided, single submitter. Criteria: Sema4 Curation Guidelines. Collection method: curation. Allele origin: germline.
Comment: The FANCD2 c.990-1G>A variant has been reported as compound heterozygous in at least two individuals with Fanconi Anemia complementation group D2 (PMID: 17436244, 23613520). Functional studies have shown that this variant causes aberrant splicing, which leads to a frameshift and subsequent premature termination codon (p.S330RfsX16) (PMID: 17436244). This variant was observed in 9/24356 chromosomes in the African/African American population, with no homozygotes, according to the Genome Aggregation Database (PMID: 32461654). This variant has been reported in ClinVar (Variation ID: 381559). Based on the current evidence available, this variant is interpreted as pathogenic.

Fulgent Genetics
Classification: Pathogenic for Fanconi anemia complementation group D2. Last evaluated: 2021-06-30. Review status: criteria provided, single submitter. Criteria: ACMG Guidelines, 2015. Collection method: clinical testing. Allele origin: unknown.
Comment: This variant has been detected in individual(s) who were sent for testing of Renasight - kidney gene panel.

Sung Lab, Department of Medicine, Roswell Park Comprehensive Cancer Center
Classification: Pathogenic for Acute myeloid leukemia. Last evaluated: 2023-06-08. Review status: no assertion criteria provided. Collection method: clinical testing. Allele origin: somatic. Affected: yes. Not counted in ClinVar's aggregate classification.

Literature cited by the submitters: PubMed 40906985 (cited by Dasa); PubMed 39283238 (cited by Dasa); PubMed 37433680 (cited by Dasa); PubMed 37566130 (cited by Dasa); PubMed 23613520 (cited by 3 submitters); PubMed 17436244 (cited by 3 submitters).

NM_001018115.3(FANCD2):c.990-1G>A

Genes: FANCD2 (FA complementation group D2; plus strand), LOC107303338 (3p25 FANCD2 Alu-mediated recombination region; plus strand). Cytogenetic location: 3p25.3.
Variant type: single nucleotide variant.
Coding change: c.990-1G>A on transcript NM_001018115.3 (MANE Select); the canonical splice acceptor site of the intron before coding-DNA position 990, G replaced by A.
Molecular consequence: splice acceptor variant.
Genome position (GRCh38, 1-based): chr3:10,043,483, G>A. VCF-style: chr3-10043483-G-A. GRCh37 (hg19) VCF-style: chr3-10085167-G-A.
Other names: c.990-1G>A (NM_001319984.2, NM_001374253.1, NM_033084.6 and 2 more transcripts).
Identifiers: ClinVar variation 381559 (VCV000381559.16), dbSNP rs112832879, ClinGen allele CA2249459.
Genomic context (GRCh38, chr3:10,043,483, plus strand): 5'-ATCTTGTAAGTTCTTTTCTGGTACGTAGAAGAGTAATTTTTTTCCTCTCTGCTACTTGTA[G>A]TTCCTCAGGAAATCAAGAAAGCAGCGGTCAGAGCTGTATTATTCTCCTCTTTGATGTAAT-3'